The following is an entry in ClinVar:

NM_198578.4(LRRK2):c.7409T>C (p.Met2470Thr)

Gene: LRRK2 (leucine rich repeat kinase 2; plus strand). Cytogenetic location: 12q12.
Variant type: single nucleotide variant.
Coding change: c.7409T>C on transcript NM_198578.4 (MANE Select); coding-DNA position 7409, T replaced by C.
Protein change: p.Met2470Thr; replaces methionine 2470 with threonine.
Molecular consequence: missense variant.
Genome position (GRCh38, 1-based): chr12:40,367,024, T>C. VCF-style: chr12-40367024-T-C. GRCh37 (hg19) VCF-style: chr12-40760826-T-C.
Other names: short protein forms M2470T.
Identifiers: ClinVar variation 1758766 (VCV001758766.2), dbSNP rs748046468, ClinGen allele CA384415688.

ClinVar aggregate classification (germline): Uncertain significance (1 of 4 stars; one submission).

Conditions:
Inborn genetic diseases. Identifiers: MedGen C0950123, MeSH D030342.

gnomAD v4.1: 4 of 1,609,544 alleles (0.00025%); highest among the groups gnomAD compares: Non-Finnish European, 0.00034%; no homozygotes.

Submission:

Ambry Genetics
Classification: Uncertain significance for Inborn genetic diseases. Last evaluated: 2022-02-24. Review status: criteria provided, single submitter. Criteria: Ambry Variant Classification Scheme 2023. Collection method: clinical testing. Allele origin: germline.
Comment: The p.M2470T variant (also known as c.7409T>C), located in coding exon 50 of the LRRK2 gene, results from a T to C substitution at nucleotide position 7409. The methionine at codon 2470 is replaced by threonine, an amino acid with similar properties. This amino acid position is conserved. In addition, the in silico prediction for this alteration is inconclusive. Since supporting evidence is limited at this time, the clinical significance of this alteration remains unclear.